The following is an entry in ClinVar:

ClinVar aggregate classification (germline): Pathogenic (1 of 4 stars; one submission).

Conditions:
Citrin deficiency. Identifiers: Orphanet 247582, MedGen C1997910, MONDO:0016602.

Submission:

Labcorp Genetics (formerly Invitae), Labcorp
Classification: Pathogenic for Citrin deficiency. Last evaluated: 2022-02-03. Review status: criteria provided, single submitter. Criteria: Invitae Variant Classification Sherloc (09022015). Collection method: clinical testing. Allele origin: germline.
Comment: This variant is a gross deletion of the genomic region encompassing exon(s) 4 of the SLC25A13 gene. This deletion is out-of-frame, and is expected to create a premature termination codon and result in an absent or disrupted protein product. Loss-of-function variants in SLC25A13 are known to be pathogenic (PMID: 10369257, 14680984, 27405544). This variant has not been reported in the literature in individuals affected with SLC25A13-related conditions. For these reasons, this variant has been classified as Pathogenic.

Literature cited by the submitters: PubMed 10369257; PubMed 14680984; PubMed 27405544.

NC_000007.14:g.(?_96234792)_(96234927_?)del

Gene: SLC25A13 (solute carrier family 25 member 13; minus strand). Cytogenetic location: 7q21.3.
Variant type: Deletion.
Identifiers: ClinVar variation 830502 (VCV000830502.5).